The following is an entry in ClinVar:

ClinVar aggregate classification (germline): Likely benign (1 of 4 stars; one submission).

Submission:

CeGaT Center for Human Genetics Tuebingen
Classification: Likely benign. Last evaluated: 2025-07-01. Review status: criteria provided, single submitter. Criteria: CeGaT Center For Human Genetics Tuebingen Variant Classification Criteria Version 2. Collection method: clinical testing. Allele origin: germline. Affected: yes. Observed: 1 variant allele.
Comment: MAF: PP3, BS2

NM_005360.5(MAF):c.682G>A (p.Gly228Ser)

Gene: MAF (MAF bZIP transcription factor; minus strand). Cytogenetic location: 16q23.2.
Variant type: single nucleotide variant.
Coding change: c.682G>A on transcript NM_005360.5 (MANE Select); coding-DNA position 682, G replaced by A.
Protein change: p.Gly228Ser; replaces glycine 228 with serine.
Molecular consequence: missense variant.
Genome position (GRCh38, 1-based): chr16:79,599,221, C>T on the plus strand (G>A on the coding strand, the complement: MAF is on the minus strand). VCF-style: chr16-79599221-C-T. GRCh37 (hg19) VCF-style: chr16-79633118-C-T.
Other names: c.682G>A, p.Gly228Ser (NM_001031804.3); short protein forms G228S.
Identifiers: ClinVar variation 4084437 (VCV004084437.8).